The following is an entry in ClinVar:

ClinVar aggregate classification (germline): Uncertain significance. Review status: criteria provided, multiple submitters, no conflicts (2 of 4 stars). 2 submissions from 2 submitters: Uncertain significance (2). Last evaluated 2025-01-20.

Conditions:
Inborn genetic diseases. Identifiers: MedGen C0950123, MeSH D030342.

Allele frequency attached by ClinVar (database versions not stated): gnomAD exomes 0.00001; gnomAD 0.00001.
gnomAD v4.1: 5 of 1,551,286 alleles (0.00032%); highest among the groups gnomAD compares: Admixed American, 0.0059%; no homozygotes.

Submissions (2):

Ambry Genetics
Classification: Uncertain significance for Inborn genetic diseases. Last evaluated: 2025-01-20. Review status: criteria provided, single submitter. Criteria: Ambry Variant Classification Scheme 2023. Collection method: clinical testing. Allele origin: germline.

Labcorp Genetics (formerly Invitae), Labcorp
Classification: Uncertain significance. Last evaluated: 2022-05-16. Review status: criteria provided, single submitter. Criteria: Invitae Variant Classification Sherloc (09022015). Collection method: clinical testing. Allele origin: germline.
Comment: This sequence change replaces valine, which is neutral and non-polar, with alanine, which is neutral and non-polar, at codon 317 of the UNC80 protein (p.Val317Ala). This variant is present in population databases (no rsID available, gnomAD 0.008%). This variant has not been reported in the literature in individuals affected with UNC80-related conditions. Algorithms developed to predict the effect of missense changes on protein structure and function are either unavailable or do not agree on the potential impact of this missense change (SIFT: "Not Available"; PolyPhen-2: "Benign"; Align-GVGD: "Not Available"). In summary, the available evidence is currently insufficient to determine the role of this variant in disease. Therefore, it has been classified as a Variant of Uncertain Significance.

NM_001371986.1(UNC80):c.950T>C (p.Val317Ala)

Gene: UNC80 (unc-80 homolog, NALCN channel complex subunit; plus strand). Cytogenetic location: 2q34.
Variant type: single nucleotide variant.
Coding change: c.950T>C on transcript NM_001371986.1 (MANE Select); coding-DNA position 950, T replaced by C.
Protein change: p.Val317Ala; replaces valine 317 with alanine.
Molecular consequence: missense variant.
Genome position (GRCh38, 1-based): chr2:209,813,591, T>C. VCF-style: chr2-209813591-T-C. GRCh37 (hg19) VCF-style: chr2-210678315-T-C.
Other names: c.950T>C, p.Val317Ala (NM_032504.2, NM_182587.4); c.950T>C (NM_032504.1); short protein forms V317A.
Identifiers: ClinVar variation 1446624 (VCV001446624.7), dbSNP rs1328151749, ClinGen allele CA350132751.